The following is an entry in ClinVar:

ClinVar aggregate classification (germline): Pathogenic (1 of 4 stars; one submission).

Submission:

Labcorp Genetics (formerly Invitae), Labcorp
Classification: Pathogenic. Last evaluated: 2023-03-09. Review status: criteria provided, single submitter. Criteria: Invitae Variant Classification Sherloc (09022015). Collection method: clinical testing. Allele origin: germline.
Comment: This sequence change creates a premature translational stop signal (p.Pro1122Glnfs*45) in the COL27A1 gene. It is expected to result in an absent or disrupted protein product. Loss-of-function variants in COL27A1 are known to be pathogenic (PMID: 24986830, 28276056). This variant is not present in population databases (gnomAD no frequency). This variant has not been reported in the literature in individuals affected with COL27A1-related conditions. For these reasons, this variant has been classified as Pathogenic.

Literature cited by the submitters: PubMed 24986830; PubMed 28276056.

NM_032888.4(COL27A1):c.3365del (p.Pro1122fs)

Gene: COL27A1 (collagen type XXVII alpha 1 chain; plus strand). Cytogenetic location: 9q32.
Variant type: Deletion.
Coding change: c.3365del on transcript NM_032888.4 (MANE Select); coding-DNA position 3365, one base deleted (C; older notation c.3365delC).
Protein change: p.Pro1122fs; shifts the reading frame from proline 1122.
Molecular consequence: frameshift variant.
Genome position (GRCh38, 1-based): chr9:114,265,447, C deleted; the last of 6 consecutive C bases (chr9:114,265,442-114,265,447); deleting any one gives the same sequence. VCF-style (leftmost placement, unchanged base first): chr9-114265441-GC-G. GRCh37 (hg19) VCF-style: chr9-117027721-GC-G.
Other names: short protein forms P1122fs.
Identifiers: ClinVar variation 2844646 (VCV002844646.3), dbSNP rs1431754712, ClinGen allele CA2739265019.